The following is an entry in ClinVar:

NM_032043.3(BRIP1):c.462del (p.Gln155fs)

Gene: BRIP1 (BRCA1 interacting DNA helicase 1; minus strand). Cytogenetic location: 17q23.2.
Variant type: Deletion.
Coding change: c.462del on transcript NM_032043.3 (MANE Select); coding-DNA position 462, one base deleted (T; older notation c.462delT).
Protein change: p.Gln155fs; shifts the reading frame from glutamine 155.
Molecular consequence: frameshift variant.
Genome position (GRCh38, 1-based): chr17:61,849,174, A deleted on the plus strand (T on the coding strand, the reverse complement: BRIP1 is on the minus strand); the first of 4 consecutive A bases (chr17:61,849,174-61,849,177); deleting any one gives the same sequence. VCF-style (leftmost placement, unchanged base first): chr17-61849173-GA-G. GRCh37 (hg19) VCF-style: chr17-59926534-GA-G.
Other names: c.462delT (NM_032043.2); short protein forms Q155fs.
Identifiers: ClinVar variation 3482471 (VCV003482471.1).

ClinVar aggregate classification (germline): Pathogenic (1 of 4 stars; one submission).

Conditions:
Hereditary cancer-predisposing syndrome. Also called: Tumor predisposition; Neoplastic Syndromes, Hereditary; Hereditary Cancer Syndrome; Hereditary neoplastic syndrome. Identifiers: Orphanet 140162, MedGen C0027672, MeSH D009386, MONDO:0015356.

Submission:

Ambry Genetics
Classification: Pathogenic for Hereditary cancer-predisposing syndrome. Last evaluated: 2024-11-22. Review status: criteria provided, single submitter. Criteria: Ambry Variant Classification Scheme 2023. Collection method: clinical testing. Allele origin: germline.
Comment: The c.462delT pathogenic mutation, located in coding exon 4 of the BRIP1 gene, results from a deletion of one nucleotide at nucleotide position 462, causing a translational frameshift with a predicted alternate stop codon (p.Q155Kfs*2). This variant is considered to be rare based on population cohorts in the Genome Aggregation Database (gnomAD). This alteration is expected to result in loss of function by premature protein truncation or nonsense-mediated mRNA decay. As such, this alteration is interpreted as a disease-causing mutation.